The following is an entry in ClinVar:

ClinVar aggregate classification (germline): Uncertain significance (1 of 4 stars; one submission).

Submission:

Ambry Genetics
Classification: Uncertain significance. Last evaluated: 2026-02-13. Review status: criteria provided, single submitter. Criteria: Ambry Variant Classification Scheme 2023. Collection method: clinical testing. Allele origin: germline.
Comment: The p.D722H variant (also known as c.2164G>C), located in coding exon 13 of the GEN1 gene, results from a G to C substitution at nucleotide position 2164. The aspartic acid at codon 722 is replaced by histidine, an amino acid with similar properties. This amino acid position is conserved. In addition, this alteration is predicted to be tolerated by in silico analysis. Based on the available evidence, the clinical significance of this variant remains unclear.

NM_001130009.3(GEN1):c.2164G>C (p.Asp722His)

Gene: GEN1 (GEN1 structure-specific endonuclease; plus strand). Cytogenetic location: 2p24.2.
Variant type: single nucleotide variant.
Coding change: c.2164G>C on transcript NM_001130009.3 (MANE Select); coding-DNA position 2164, G replaced by C.
Protein change: p.Asp722His; replaces aspartic acid 722 with histidine.
Molecular consequence: missense variant.
Genome position (GRCh38, 1-based): chr2:17,781,376, G>C. VCF-style: chr2-17781376-G-C. GRCh37 (hg19) VCF-style: chr2-17962643-G-C.
Other names: c.2164G>C, p.Asp722His (NM_182625.5); short protein forms D722H.
Identifiers: ClinVar variation 4844977 (VCV004844977.1).